The following is an entry in ClinVar:

ClinVar aggregate classification (germline): Uncertain significance (1 of 4 stars; one submission).

Submission:

Labcorp Genetics (formerly Invitae), Labcorp
Classification: Uncertain significance. Last evaluated: 2024-07-09. Review status: criteria provided, single submitter. Criteria: Invitae Variant Classification Sherloc (09022015). Collection method: clinical testing. Allele origin: germline.
Comment: This sequence change replaces serine, which is neutral and polar, with glycine, which is neutral and non-polar, at codon 1039 of the JAK2 protein (p.Ser1039Gly). This variant is not present in population databases (gnomAD no frequency). This variant has not been reported in the literature in individuals affected with JAK2-related conditions. Advanced modeling of protein sequence and biophysical properties (such as structural, functional, and spatial information, amino acid conservation, physicochemical variation, residue mobility, and thermodynamic stability) performed at Invitae indicates that this missense variant is expected to disrupt JAK2 protein function with a positive predictive value of 80%. In summary, the available evidence is currently insufficient to determine the role of this variant in disease. Therefore, it has been classified as a Variant of Uncertain Significance.

NM_004972.4(JAK2):c.3115A>G (p.Ser1039Gly)

Genes: INSL6 (insulin like 6; minus strand), JAK2 (Janus kinase 2; plus strand). Cytogenetic location: 9p24.1.
Variant type: single nucleotide variant.
Coding change: c.3115A>G on transcript NM_004972.4 (MANE Select); coding-DNA position 3115, A replaced by G.
Protein change: p.Ser1039Gly; replaces serine 1039 with glycine.
Molecular consequence: missense variant. On other transcripts: non-coding transcript variant (2).
Genome position (GRCh38, 1-based): chr9:5,123,059, A>G. VCF-style: chr9-5123059-A-G. GRCh37 (hg19) VCF-style: chr9-5123059-A-G.
Other names: c.3115A>G, p.Ser1039Gly (NM_001322194.2, NM_001322195.2, NM_001322196.2); c.1900A>G, p.Ser634Gly (NM_001322198.2, NM_001322199.2); c.2668A>G, p.Ser890Gly (NM_001322204.2); short protein forms S1039G, S634G, S890G.
Identifiers: ClinVar variation 3659049 (VCV003659049.2).